The following is an entry in ClinVar:

ClinVar aggregate classification (germline): Uncertain significance (1 of 4 stars; one submission).

Conditions:
Hereditary pheochromocytoma and paraganglioma. Also called: Hereditary Paraganglioma-Pheochromocytoma Syndromes; Hereditary pheochromocytoma-paraganglioma; Hereditary paragangliomas and pheochromocytomas. Identifiers: Orphanet 29072, MedGen C4274332, MONDO:0017366.

Allele frequency attached by ClinVar (database versions not stated): gnomAD exomes below 0.00001.

Submission:

Labcorp Genetics (formerly Invitae), Labcorp
Classification: Uncertain significance for Hereditary pheochromocytoma and paraganglioma. Last evaluated: 2023-08-17. Review status: criteria provided, single submitter. Criteria: Invitae Variant Classification Sherloc (09022015). Collection method: clinical testing. Allele origin: germline.
Comment: An algorithm developed to predict the effect of missense changes on protein structure and function (PolyPhen-2) suggests that this variant is likely to be tolerated. In summary, the available evidence is currently insufficient to determine the role of this variant in disease. Therefore, it has been classified as a Variant of Uncertain Significance. This variant has not been reported in the literature in individuals affected with TMEM127-related conditions. This variant is not present in population databases (gnomAD no frequency). This sequence change replaces histidine, which is basic and polar, with tyrosine, which is neutral and polar, at codon 133 of the TMEM127 protein (p.His133Tyr).

NM_017849.4(TMEM127):c.397C>T (p.His133Tyr)

Gene: TMEM127 (transmembrane protein 127; minus strand). Cytogenetic location: 2q11.2.
Variant type: single nucleotide variant.
Coding change: c.397C>T on transcript NM_017849.4 (MANE Select); coding-DNA position 397, C replaced by T.
Protein change: p.His133Tyr; replaces histidine 133 with tyrosine.
Molecular consequence: missense variant.
Genome position (GRCh38, 1-based): chr2:96,254,845, G>A on the plus strand (C>T on the coding strand, the complement: TMEM127 is on the minus strand). VCF-style: chr2-96254845-G-A. GRCh37 (hg19) VCF-style: chr2-96920583-G-A.
Other names: c.397C>T, p.His133Tyr (NM_001193304.3); c.145C>T, p.His49Tyr (NM_001407282.1, NM_001407283.1); short protein forms H49Y, H133Y.
Identifiers: ClinVar variation 2750883 (VCV002750883.3), dbSNP rs2467266070, ClinGen allele CA347653271.
Genomic context (GRCh38, chr2:96,254,845, plus strand): 5'-CCACCCTGTAGCAGTTCCTCTCCCACTGTGAGCAGGCTCACGGCTTACCCGTTAGGATAT[G>A]GGCGAAGGCATAGCGACGAGTGATCTTCAGAGCAGGATGCTTCGGCCCAAAGACATCCAG-3'
Protein context (NP_060319.1, residues 123-143): LKITRRYAFA[His133Tyr]ILTVLQCATV